The following is an entry in ClinVar:

NM_000169.3(GLA):c.972G>A (p.Leu324=)

Genes: GLA (galactosidase alpha; minus strand), RPL36A-HNRNPH2 (RPL36A-HNRNPH2 readthrough; plus strand). Cytogenetic location: Xq22.1.
Variant type: single nucleotide variant.
Coding change: c.972G>A on transcript NM_000169.3 (MANE Select); coding-DNA position 972, G replaced by A.
Protein change: p.Leu324=; no amino-acid change (leucine 324 retained).
Molecular consequence: synonymous variant. On other transcripts: non-coding transcript variant (3), intron variant (2).
Genome position (GRCh38, 1-based): chrX:101,398,397, C>T on the plus strand (G>A on the coding strand, the complement: GLA is on the minus strand). VCF-style: chrX-101398397-C-T. GRCh37 (hg19) VCF-style: chrX-100653385-C-T.
Other names: c.1095G>A, p.Leu365= (NM_001406747.1); c.972G>A, p.Leu324= (NM_001406748.1); c.300+2940C>T (NM_001199973.2); c.177+6575C>T (NM_001199974.2).
Identifiers: ClinVar variation 3071623 (VCV003071623.1), dbSNP rs2520860028, ClinGen allele CA517736784.
Genomic context (GRCh38, chrX:101,398,397, plus strand): 5'-TAAAGCCATCTTAAAATATATACTCTTATTTACCTGTCTAAGCTGGTACCCTTGCTTGCC[C>T]AAGGGGTCCTGATTGATGGCAATTACGTCCTTATCCTGAAGGAGAGCTTTGGCTTGAGGG-3'
Protein context (NP_000160.1, residues 314-334): KDVIAINQDP[Leu324=]GKQGYQLRQG

ClinVar aggregate classification (germline): Likely benign (1 of 4 stars; one submission).

Conditions:
Fabry disease. Also called: Fabry's disease; ALPHA-GALACTOSIDASE A DEFICIENCY; ANDERSON-FABRY DISEASE; CERAMIDE TRIHEXOSIDASE DEFICIENCY; GLA DEFICIENCY; HEREDITARY DYSTOPIC LIPIDOSIS. Identifiers: Orphanet 324, MedGen C0002986, MONDO:0010526, OMIM 301500, HP:0001071. Disease mechanism: Fabry disease is due to inactivating mutations in the X-linked GLA gene resulting in deficiency of the enzyme Alpha Galactosidase-A., loss of function.

Submission:

All of Us Research Program, National Institutes of Health
Classification: Likely benign for Fabry disease. Last evaluated: 2023-06-08. Review status: criteria provided, single submitter. Criteria: ACMG Guidelines, 2015. Collection method: clinical testing. Allele origin: germline. Inheritance: X-linked inheritance. Observed: 1 variant allele, 1 heterozygote.
Comment: This study involves interpretation of variants in research participants for the purpose of population health screening. Participant phenotype was not available at the time of variant classification. Additional details can be found in publication PMID: 35346344, PMCID: PMC8962531